The following is an entry in ClinVar:

ClinVar aggregate classification (germline): Uncertain significance (1 of 4 stars; one submission).

Conditions:
Leukodystrophy, hypomyelinating, 4. Also called: MITCHAP60 DISEASE; MITOCHONDRIAL HSP60 CHAPERONOPATHY. Identifiers: Orphanet 280270, Orphanet 280288, MedGen C2677109, MONDO:0012824, OMIM 612233.

Submission:

Neuberg Centre For Genomic Medicine, NCGM
Classification: Uncertain significance for Leukodystrophy, hypomyelinating, 4. Last evaluated: 2023-06-22. Review status: criteria provided, single submitter. Criteria: ACMG Guidelines, 2015. Collection method: clinical testing. Allele origin: germline. Inheritance: Autosomal recessive inheritance. Affected: yes.
Comment: The missense variant c.386A>Gp.Glu129Gly in HSPD1 gene has not been reported previously as a pathogenic variant nor as a benign variant, to our knowledge. The observed variant is absent in gnomAD exomes database. This variant has not been submitted to the ClinVar database. Multiple lines of computational evidence Polyphen - probably damaging, SIFT - damaging and MutationTaster - disease causing predict a damaging effect on protein structure and function for this variant. The reference amino acid change p.Glu129Gly in HSPD1 is predicted as conserved by GERP++ and PhyloP across 100 vertebrates. The amino acid Glu at position 129 is changed to a Gly changing protein sequence and it might alter its composition and physico-chemical properties. For these reasons, this variant has been classified as Uncertain Significance VUS.

NM_002156.5(HSPD1):c.386A>G (p.Glu129Gly)

Gene: HSPD1 (heat shock protein family D (Hsp60) member 1; minus strand). Cytogenetic location: 2q33.1.
Variant type: single nucleotide variant.
Coding change: c.386A>G on transcript NM_002156.5 (MANE Select); coding-DNA position 386, A replaced by G.
Protein change: p.Glu129Gly; replaces glutamic acid 129 with glycine.
Molecular consequence: missense variant.
Genome position (GRCh38, 1-based): chr2:197,497,181, T>C on the plus strand (A>G on the coding strand, the complement: HSPD1 is on the minus strand). VCF-style: chr2-197497181-T-C. GRCh37 (hg19) VCF-style: chr2-198361905-T-C.
Other names: c.386A>G, p.Glu129Gly (NM_199440.2); short protein forms E129G.
Identifiers: ClinVar variation 3391384 (VCV003391384.1).